The following is an entry in ClinVar:

ClinVar aggregate classification (germline): Pathogenic. Review status: criteria provided, multiple submitters, no conflicts (2 of 4 stars). 2 submissions from 2 submitters: Pathogenic (2). Last evaluated 2024-11-05.

Conditions:
Juvenile polyposis syndrome (JPS). Identifiers: Orphanet 2929, MedGen C0345893, MONDO:0017380, OMIM 174900.
Hereditary cancer-predisposing syndrome. Also called: Hereditary neoplastic syndrome; Neoplastic Syndromes, Hereditary; Hereditary Cancer Syndrome; Tumor predisposition. Identifiers: Orphanet 140162, MedGen C0027672, MeSH D009386, MONDO:0015356.

Submissions (2):

Ambry Genetics
Classification: Pathogenic for Hereditary cancer-predisposing syndrome. Last evaluated: 2024-11-05. Review status: criteria provided, single submitter. Criteria: Ambry Variant Classification Scheme 2023. Collection method: clinical testing. Allele origin: germline.
Comment: The c.566dupA pathogenic mutation, located in coding exon 6 of the BMPR1A gene, results from a duplication of A at nucleotide position 566, causing a translational frameshift with a predicted alternate stop codon (p.Y189*). This alteration has been observed in at least one individual with a personal and/or family history that is consistent with juvenile polyposis syndrome (JPS) (Ambry internal data). This variant is considered to be rare based on population cohorts in the Genome Aggregation Database (gnomAD). This alteration is expected to result in loss of function by premature protein truncation or nonsense-mediated mRNA decay. As such, this alteration is interpreted as a disease-causing mutation.

Labcorp Genetics (formerly Invitae), Labcorp
Classification: Pathogenic for Juvenile polyposis syndrome. Last evaluated: 2023-08-01. Review status: criteria provided, single submitter. Criteria: Invitae Variant Classification Sherloc (09022015). Collection method: clinical testing. Allele origin: germline.
Comment: This sequence change creates a premature translational stop signal (p.Tyr189*) in the BMPR1A gene. It is expected to result in an absent or disrupted protein product. Loss-of-function variants in BMPR1A are known to be pathogenic (PMID: 11536076, 12417513). This variant is not present in population databases (gnomAD no frequency). This premature translational stop signal has been observed in individual(s) with juvenile polyposis syndrome (PMID: 16152648). ClinVar contains an entry for this variant (Variation ID: 571137). For these reasons, this variant has been classified as Pathogenic.

Literature cited by the submitters: PubMed 11536076 (cited by Labcorp Genetics (formerly Invitae), Labcorp); PubMed 12417513 (cited by Labcorp Genetics (formerly Invitae), Labcorp); PubMed 16152648 (cited by Labcorp Genetics (formerly Invitae), Labcorp).

NM_004329.3(BMPR1A):c.566dup (p.Tyr189Ter)

Gene: BMPR1A (bone morphogenetic protein receptor type 1A; plus strand). Cytogenetic location: 10q23.2.
Variant type: Duplication.
Coding change: c.566dup on transcript NM_004329.3 (MANE Select); coding-DNA position 566, one base duplicated (A; older notation c.566dupA).
Protein change: p.Tyr189Ter; replaces tyrosine 189 with a stop codon.
Molecular consequence: nonsense.
Genome position (GRCh38, 1-based): chr10:86,912,275, A duplicated. VCF-style (leftmost placement, unchanged base first): chr10-86912274-T-TA. GRCh37 (hg19) VCF-style: chr10-88672031-T-TA.
Other names: c.566dupA (NM_004329.2); short protein forms Y189*.
Identifiers: ClinVar variation 571137 (VCV000571137.13), dbSNP rs1564721929, ClinGen allele CA891843411.
Genomic context (GRCh38, chr10:86,912,274, plus strand): 5'-TAGATTGTTTTCTGCTTTTTTAAAAGACATTATTGCAAGAGCATCTCAAGCAGACGTCGT[T>TA]ACAATCGTGATTTGGAACAGGATGAAGCATTTATTCCAGTTGGAGAATCACTAAAAGACC-3'